The following is an entry in ClinVar:

NM_020166.5(MCCC1):c.544C>A (p.His182Asn)

Gene: MCCC1 (methylcrotonyl-CoA carboxylase subunit 1; minus strand). Cytogenetic location: 3q27.1.
Variant type: single nucleotide variant.
Coding change: c.544C>A on transcript NM_020166.5 (MANE Select); coding-DNA position 544, C replaced by A.
Protein change: p.His182Asn; replaces histidine 182 with asparagine.
Molecular consequence: missense variant. On other transcripts: non-coding transcript variant (2).
Genome position (GRCh38, 1-based): chr3:183,071,305, G>T on the plus strand (C>A on the coding strand, the complement: MCCC1 is on the minus strand). VCF-style: chr3-183071305-G-T. GRCh37 (hg19) VCF-style: chr3-182789093-G-T.
Other names: c.193C>A, p.His65Asn (NM_001293273.2); c.217C>A, p.His73Asn (NM_001363880.1); short protein forms H182N, H73N, H65N.
Identifiers: ClinVar variation 2228767 (VCV002228767.2), dbSNP rs146037762, ClinGen allele CA88717201.

ClinVar aggregate classification (germline): Uncertain significance (1 of 4 stars; one submission).

Conditions:
Inborn genetic diseases. Identifiers: MedGen C0950123, MeSH D030342.

Allele frequency attached by ClinVar (database versions not stated): TOPMed 0.00001; gnomAD exomes 0.00003; ESP Exome Variant Server 0.00008.
gnomAD v4.1: 47 of 1,614,194 alleles (0.0029%); highest among the groups gnomAD compares: Non-Finnish European, 0.004%; no homozygotes.

Submission:

Ambry Genetics
Classification: Uncertain significance for Inborn genetic diseases. Last evaluated: 2021-01-26. Review status: criteria provided, single submitter. Criteria: Ambry Variant Classification Scheme 2023. Collection method: clinical testing. Allele origin: germline.
Comment: The c.544C>A (p.H182N) alteration is located in exon 6 (coding exon 6) of the MCCC1 gene. This alteration results from a C to A substitution at nucleotide position 544, causing the histidine (H) at amino acid position 182 to be replaced by an asparagine (N). The in silico prediction for the p.H182N alteration is inconclusive. Based on insufficient or conflicting evidence, the clinical significance of this alteration remains unclear.